The following is an entry in ClinVar:

NM_001130144.3(LTBP3):c.461C>T (p.Ser154Leu)

Gene: LTBP3 (latent transforming growth factor beta binding protein 3; minus strand). Cytogenetic location: 11q13.1.
Variant type: single nucleotide variant.
Coding change: c.461C>T on transcript NM_001130144.3 (MANE Select); coding-DNA position 461, C replaced by T.
Protein change: p.Ser154Leu; replaces serine 154 with leucine.
Molecular consequence: missense variant.
Genome position (GRCh38, 1-based): chr11:65,554,251, G>A on the plus strand (C>T on the coding strand, the complement: LTBP3 is on the minus strand). VCF-style: chr11-65554251-G-A. GRCh37 (hg19) VCF-style: chr11-65321722-G-A.
Other names: c.110C>T, p.Ser37Leu (NM_001164266.1); c.461C>T, p.Ser154Leu (NM_021070.4); short protein forms S37L, S154L.
Identifiers: ClinVar variation 1484162 (VCV001484162.6), dbSNP rs2135159939, ClinGen allele CA381276572.
Genomic context (GRCh38, chr11:65,554,251, plus strand): 5'-GGAGCCAGGGGCGGCAGCGCCCCTGTGGACAGGGCCCCTGTCCTGCTCAGGCCGGGGCCT[G>A]AGCCGCCGGTACCCCCACCGGCTCCTCCTGCGGGCACCTGGCAGAAGCGCCCAGTGAAGT-3'
Protein context (NP_001123616.1, residues 144-164): AGGAGGGTGG[Ser154Leu]GPGLSRTGAL

ClinVar aggregate classification (germline): Uncertain significance (1 of 4 stars; one submission).

Conditions:
Brachyolmia-amelogenesis imperfecta syndrome. Also called: PLATYSPONDYLY WITH AMELOGENESIS IMPERFECTA; Tooth agenesis, selective, 6; Dental anomalies and short stature. Identifiers: Orphanet 2899, MedGen C1832594, MONDO:0011018, OMIM 601216. Disease mechanism: loss of function.

Allele frequency attached by ClinVar (database versions not stated): gnomAD exomes below 0.00001.
gnomAD v4.1: 2 of 1,608,044 alleles (0.00012%); highest among the groups gnomAD compares: South Asian, 0.0011%; no homozygotes.

Submission:

Labcorp Genetics (formerly Invitae), Labcorp
Classification: Uncertain significance for Brachyolmia-amelogenesis imperfecta syndrome. Last evaluated: 2024-03-16. Review status: criteria provided, single submitter. Criteria: Invitae Variant Classification Sherloc (09022015). Collection method: clinical testing. Allele origin: germline.
Comment: This sequence change replaces serine, which is neutral and polar, with leucine, which is neutral and non-polar, at codon 154 of the LTBP3 protein (p.Ser154Leu). This variant is not present in population databases (gnomAD no frequency). This variant has not been reported in the literature in individuals affected with LTBP3-related conditions. ClinVar contains an entry for this variant (Variation ID: 1484162). An algorithm developed to predict the effect of missense changes on protein structure and function (PolyPhen-2) suggests that this variant is likely to be tolerated. In summary, the available evidence is currently insufficient to determine the role of this variant in disease. Therefore, it has been classified as a Variant of Uncertain Significance.